The following is an entry in ClinVar:

NM_130786.4(A1BG):c.1120T>C (p.Cys374Arg)

Gene: A1BG (alpha-1-B glycoprotein; minus strand). Cytogenetic location: 19q13.43.
Variant type: single nucleotide variant.
Coding change: c.1120T>C on transcript NM_130786.4 (MANE Select); coding-DNA position 1120, T replaced by C.
Protein change: p.Cys374Arg; replaces cysteine 374 with arginine.
Molecular consequence: missense variant.
Genome position (GRCh38, 1-based): chr19:58,350,442, A>G on the plus strand (T>C on the coding strand, the complement: A1BG is on the minus strand). VCF-style: chr19-58350442-A-G. GRCh37 (hg19) VCF-style: chr19-58861808-A-G.
Other names: short protein forms C374R.
Identifiers: ClinVar variation 2650587 (VCV002650587.23), dbSNP rs145144275, ClinGen allele CA9713796.

ClinVar aggregate classification (germline): Likely benign (1 of 4 stars; one submission).

Allele frequency attached by ClinVar (database versions not stated): 1000 Genomes Project 0.00060; 1000 Genomes Project 30x 0.00062; TOPMed 0.00471; ESP Exome Variant Server 0.00491; gnomAD 0.00499; ExAC 0.00526; gnomAD exomes 0.00796.

Submission:

CeGaT Center for Human Genetics Tuebingen
Classification: Likely benign. Last evaluated: 2022-11-01. Review status: criteria provided, single submitter. Criteria: CeGaT Center For Human Genetics Tuebingen Variant Classification Criteria Version 2. Collection method: clinical testing. Allele origin: germline. Affected: yes. Observed: 1 variant allele.
Comment: A1BG: BS2; ENSG00000268230: BS2